The following is an entry in ClinVar:

NM_000350.3(ABCA4):c.4239G>C (p.Gln1413His)

Gene: ABCA4 (ATP binding cassette subfamily A member 4; minus strand). Cytogenetic location: 1p22.1.
Variant type: single nucleotide variant.
Coding change: c.4239G>C on transcript NM_000350.3 (MANE Select); coding-DNA position 4239, G replaced by C.
Protein change: p.Gln1413His; replaces glutamine 1413 with histidine.
Molecular consequence: missense variant.
Genome position (GRCh38, 1-based): chr1:94,031,010, C>G on the plus strand (G>C on the coding strand, the complement: ABCA4 is on the minus strand). VCF-style: chr1-94031010-C-G. GRCh37 (hg19) VCF-style: chr1-94496566-C-G.
Other names: c.4017G>C, p.Gln1339His (NM_001425324.1); short protein forms Q1413H, Q1339H.
Identifiers: ClinVar variation 862952 (VCV000862952.5), dbSNP rs1201535434, ClinGen allele CA341286075.

ClinVar aggregate classification (germline): Uncertain significance (1 of 4 stars; one submission).

Allele frequency attached by ClinVar (database versions not stated): gnomAD exomes below 0.00001.
gnomAD v4.1: 1 of 1,614,040 alleles (0.000062%); highest among the groups gnomAD compares: Admixed American, 0.0017%; no homozygotes.

Submission:

Labcorp Genetics (formerly Invitae), Labcorp
Classification: Uncertain significance. Last evaluated: 2022-07-19. Review status: criteria provided, single submitter. Criteria: Invitae Variant Classification Sherloc (09022015). Collection method: clinical testing. Allele origin: germline.
Comment: This sequence change replaces glutamine, which is neutral and polar, with histidine, which is basic and polar, at codon 1413 of the ABCA4 protein (p.Gln1413His). This variant is present in population databases (no rsID available, gnomAD 0.003%). This variant has not been reported in the literature in individuals affected with ABCA4-related conditions. ClinVar contains an entry for this variant (Variation ID: 862952). Advanced modeling of protein sequence and biophysical properties (such as structural, functional, and spatial information, amino acid conservation, physicochemical variation, residue mobility, and thermodynamic stability) performed at Invitae indicates that this missense variant is expected to disrupt ABCA4 protein function. In summary, the available evidence is currently insufficient to determine the role of this variant in disease. Therefore, it has been classified as a Variant of Uncertain Significance.